The following is an entry in ClinVar:

ClinVar aggregate classification (germline): Likely pathogenic (1 of 4 stars; one submission).

Conditions:
Ehlers-Danlos syndrome, type 4 (EDSVASC). Also called: Ehlers-Danlos syndrome vascular type; Ehlers Danlos syndrome, ecchymotic type; Ehlers Danlos syndrome, arterial type; Ehlers Danlos syndrome, Sack-Barabas type; Ehlers-Danlos Syndrome Type IV. Identifiers: Orphanet 286, MedGen C0268338, MONDO:0017314, OMIM 130050.

Allele frequency attached by ClinVar (database versions not stated): gnomAD exomes below 0.00001; ExAC 0.00001.
gnomAD v4.1: 1 of 1,613,722 alleles (0.000062%); highest among the groups gnomAD compares: Non-Finnish European, 0.000085%; no homozygotes.

Submission:

Dasa
Classification: Likely pathogenic for Ehlers-Danlos syndrome, type 4. Last evaluated: 2022-02-14. Review status: criteria provided, single submitter. Criteria: ACMG Guidelines, 2015. Collection method: clinical testing. Allele origin: germline. Affected: yes. Observed: 1 variant allele.
Comment: The variant is located in a mutational hot spot and/or critical and well-established functional domain (Collagen (G-X-Y)) - PM1. This variant is not present in population databases (rs763107572, gnomAD; ABraOM no frequency) - PM2. Missense variant in COL3A1 that has a low rate of benign missense variation and in which missense variants are a common mechanism of disease - PP2. Multiple lines of computational evidence support a deleterious effect on the gene or gene product - PP3. In summary, the currently available evidence indicates that the variant is likely pathogenic.

NM_000090.4(COL3A1):c.3494C>T (p.Pro1165Leu)

Gene: COL3A1 (collagen type III alpha 1 chain; plus strand). Cytogenetic location: 2q32.2.
Variant type: single nucleotide variant.
Coding change: c.3494C>T on transcript NM_000090.4 (MANE Select); coding-DNA position 3494, C replaced by T.
Protein change: p.Pro1165Leu; replaces proline 1165 with leucine.
Molecular consequence: missense variant.
Genome position (GRCh38, 1-based): chr2:189,008,111, C>T. VCF-style: chr2-189008111-C-T. GRCh37 (hg19) VCF-style: chr2-189872837-C-T.
Other names: short protein forms P1165L.
Identifiers: ClinVar variation 1341518 (VCV001341518.3), dbSNP rs763107572, ClinGen allele CA076145.